The following is an entry in ClinVar:

NM_032043.3(BRIP1):c.2842T>C (p.Cys948Arg)

Gene: BRIP1 (BRCA1 interacting DNA helicase 1; minus strand). Cytogenetic location: 17q23.2.
Variant type: single nucleotide variant.
Coding change: c.2842T>C on transcript NM_032043.3 (MANE Select); coding-DNA position 2842, T replaced by C.
Protein change: p.Cys948Arg; replaces cysteine 948 with arginine.
Molecular consequence: missense variant.
Genome position (GRCh38, 1-based): chr17:61,685,899, A>G on the plus strand (T>C on the coding strand, the complement: BRIP1 is on the minus strand). VCF-style: chr17-61685899-A-G. GRCh37 (hg19) VCF-style: chr17-59763260-A-G.
Other names: short protein forms C948R.
Identifiers: ClinVar variation 3482432 (VCV003482432.1).

ClinVar aggregate classification (germline): Uncertain significance (1 of 4 stars; one submission).

Conditions:
Hereditary cancer-predisposing syndrome. Also called: Tumor predisposition; Neoplastic Syndromes, Hereditary; Hereditary Cancer Syndrome; Hereditary neoplastic syndrome. Identifiers: Orphanet 140162, MedGen C0027672, MeSH D009386, MONDO:0015356.

Submission:

Ambry Genetics
Classification: Uncertain significance for Hereditary cancer-predisposing syndrome. Last evaluated: 2024-07-15. Review status: criteria provided, single submitter. Criteria: Ambry Variant Classification Scheme 2023. Collection method: clinical testing. Allele origin: germline.
Comment: The p.C948R variant (also known as c.2842T>C), located in coding exon 18 of the BRIP1 gene, results from a T to C substitution at nucleotide position 2842. The cysteine at codon 948 is replaced by arginine, an amino acid with highly dissimilar properties. This amino acid position is conserved. In addition, this alteration is predicted to be tolerated by in silico analysis. Based on the available evidence, the clinical significance of this variant remains unclear.